The following is an entry in ClinVar:

ClinVar aggregate classification (germline): Uncertain significance (1 of 4 stars; one submission).

Conditions:
Familial thoracic aortic aneurysm and aortic dissection (TAAD). Also called: Thoracic aortic aneurysms and dissections. Identifiers: Orphanet 91387, MedGen C4707243, MONDO:0019625.

Submission:

Labcorp Genetics (formerly Invitae), Labcorp
Classification: Uncertain significance for Familial thoracic aortic aneurysm and aortic dissection. Last evaluated: 2024-09-06. Review status: criteria provided, single submitter. Criteria: Invitae Variant Classification Sherloc (09022015). Collection method: clinical testing. Allele origin: germline.
Comment: This sequence change replaces phenylalanine, which is neutral and non-polar, with leucine, which is neutral and non-polar, at codon 248 of the SMAD3 protein (p.Phe248Leu). This variant is not present in population databases (gnomAD no frequency). This missense change has been observed in individual(s) with clinical features of SMAD3-related conditions (PMID: 24804794, 29392890, 30661052). Invitae Evidence Modeling of protein sequence and biophysical properties (such as structural, functional, and spatial information, amino acid conservation, physicochemical variation, residue mobility, and thermodynamic stability) indicates that this missense variant is expected to disrupt SMAD3 protein function with a positive predictive value of 80%. This variant disrupts the p.Phe248 amino acid residue in SMAD3. Other variant(s) that disrupt this residue have been observed in individuals with SMAD3-related conditions (internal data), which suggests that this may be a clinically significant amino acid residue. In summary, the available evidence is currently insufficient to determine the role of this variant in disease. Therefore, it has been classified as a Variant of Uncertain Significance.

Literature cited by the submitters: PubMed 24804794; PubMed 29392890; PubMed 30661052.

NM_005902.4(SMAD3):c.742T>C (p.Phe248Leu)

Gene: SMAD3 (SMAD family member 3; plus strand). Cytogenetic location: 15q22.33.
Variant type: single nucleotide variant.
Coding change: c.742T>C on transcript NM_005902.4 (MANE Select); coding-DNA position 742, T replaced by C.
Protein change: p.Phe248Leu; replaces phenylalanine 248 with leucine.
Molecular consequence: missense variant.
Genome position (GRCh38, 1-based): chr15:67,181,324, T>C. VCF-style: chr15-67181324-T-C. GRCh37 (hg19) VCF-style: chr15-67473662-T-C.
Other names: c.427T>C, p.Phe143Leu (NM_001145102.2, NM_001407016.1); c.610T>C, p.Phe204Leu (NM_001145103.2, NM_001407012.1); c.157T>C, p.Phe53Leu (NM_001145104.2, NM_001407017.1); c.742T>C, p.Phe248Leu (NM_001407011.1, NM_001407013.1); c.595T>C, p.Phe199Leu (NM_001407014.1); c.295T>C, p.Phe99Leu (NM_001407015.1); short protein forms F199L, F204L, F53L, F99L, F143L, F248L.
Identifiers: ClinVar variation 3721818 (VCV003721818.2).